The following is an entry in ClinVar:

NM_015570.4(AUTS2):c.3305_3320del (p.His1102fs)

Gene: AUTS2 (activator of transcription and developmental regulator AUTS2; plus strand). Cytogenetic location: 7q11.22.
Variant type: Deletion.
Coding change: c.3305_3320del on transcript NM_015570.4 (MANE Select); coding-DNA positions 3305 to 3320, 16 bases deleted (ACCGGCTCTCGACTCC).
Protein change: p.His1102fs; shifts the reading frame from histidine 1102.
Molecular consequence: frameshift variant.
Genome position (GRCh38, 1-based): chr7:70,790,521-70,790,536, ACCGGCTCTCGACTCC deleted; deleting any 16 consecutive bases within chr7:70,790,517-70,790,536 gives the same sequence; the c. name uses the placement nearest the transcript's 3' end. VCF-style (leftmost placement, unchanged base first): chr7-70790516-GCTCCACCGGCTCTCGA-G. GRCh37 (hg19) VCF-style: chr7-70255502-GCTCCACCGGCTCTCGA-G.
Other names: c.3233_3248del, p.His1078fs (NM_001127231.3); short protein forms H1078fs, H1102fs.
Identifiers: ClinVar variation 1315044 (VCV001315044.2), dbSNP rs2129561671, ClinGen allele CA2573052907.

ClinVar aggregate classification (germline): Uncertain significance (1 of 4 stars; one submission).

Submission:

GeneDx
Classification: Uncertain significance. Last evaluated: 2020-03-12. Review status: criteria provided, single submitter. Criteria: GeneDx Variant Classification Process June 2021. Collection method: clinical testing. Allele origin: germline. Affected: yes.
Comment: Not observed in large population cohorts (Lek et al., 2016); Frameshift variant predicted to result in protein truncation, as the last 158 amino acids are replaced with 110 different amino acids, although loss-of-function variants have not been reported downstream of this position in the protein; Has not been previously published as pathogenic or benign to our knowledge